The following is an entry in ClinVar:

NM_000217.3(KCNA1):c.*1892C>T

Gene: KCNA1 (potassium voltage-gated channel subfamily A member 1; plus strand). Cytogenetic location: 12p13.32.
Variant type: single nucleotide variant.
Coding change: c.*1892C>T on transcript NM_000217.3 (MANE Select); 1892 bases downstream of the stop codon, C replaced by T.
Molecular consequence: 3 prime UTR variant.
Genome position (GRCh38, 1-based): chr12:4,914,758, C>T. VCF-style: chr12-4914758-C-T. GRCh37 (hg19) VCF-style: chr12-5023924-C-T.
Identifiers: ClinVar variation 309176 (VCV000309176.6), dbSNP rs146972463, ClinGen allele CA10642516.
Genomic context (GRCh38, chr12:4,914,758, plus strand): 5'-GACCCAGGAGGGTGCTGTCTCTCTGGCCATCTACTAGCATTGGTCCCTTTGACAGCCTGA[C>T]GCTGGATGTGAACTGAGACCCATCTTTGAACTGGACATGAACTGTGAACTTGTTTTTTCC-3'

ClinVar aggregate classification (germline): Benign (1 of 4 stars; one submission).

Conditions:
Episodic ataxia type 1 (EA1). Also called: ATAXIA, EPISODIC, WITH MYOKYMIA; MYOKYMIA WITH PERIODIC ATAXIA; PAROXYSMAL ATAXIA WITH NEUROMYOTONIA, HEREDITARY; Episodic ataxia/myokymia syndrome. Identifiers: Orphanet 37612, Orphanet 972, MedGen C1719788, MONDO:0008047, OMIM 160120.

Allele frequency attached by ClinVar (database versions not stated): 1000 Genomes Project 0.00719; gnomAD 0.00741 and 0.00806; 1000 Genomes Project 30x 0.00812; TOPMed 0.00832.

Submission:

Illumina Laboratory Services, Illumina
Classification: Benign for Episodic ataxia type 1. Last evaluated: 2018-01-13. Review status: criteria provided, single submitter. Criteria: ICSL Variant Classification Criteria 13 December 2019. Collection method: clinical testing. Allele origin: germline.
Comment: This variant was observed in the ICSL laboratory as part of a predisposition screen in an ostensibly healthy population. It had not been previously curated by ICSL or reported in the Human Gene Mutation Database (HGMD: prior to June 1st, 2018), and was therefore a candidate for classification through an automated scoring system. Utilizing variant allele frequency, disease prevalence and penetrance estimates, and inheritance mode, an automated score was calculated to assess if this variant is too frequent to cause the disease. Based on the score and internal cut-off values, a variant classified as benign is not then subjected to further curation. The score for this variant resulted in a classification of benign for this disease.